The following is an entry in ClinVar:

NM_006767.4(LZTR1):c.665del (p.Gly222fs)

Gene: LZTR1 (leucine zipper like post translational regulator 1; plus strand). Cytogenetic location: 22q11.21.
Variant type: Deletion.
Coding change: c.665del on transcript NM_006767.4 (MANE Select); coding-DNA position 665, one base deleted (G; older notation c.665delG).
Protein change: p.Gly222fs; shifts the reading frame from glycine 222.
Molecular consequence: frameshift variant.
Genome position (GRCh38, 1-based): chr22:20,990,399, G deleted; the last of 2 consecutive G bases (chr22:20,990,398-20,990,399); deleting either gives the same sequence. VCF-style (leftmost placement, unchanged base first): chr22-20990397-TG-T. GRCh37 (hg19) VCF-style: chr22-21344686-TG-T.
Other names: short protein forms G222fs.
Identifiers: ClinVar variation 2886252 (VCV002886252.4), dbSNP rs2518615661, ClinGen allele CA2655433977.

ClinVar aggregate classification (germline): Pathogenic/Likely pathogenic. Review status: criteria provided, multiple submitters, no conflicts (2 of 4 stars). 2 submissions from 2 submitters: Pathogenic (1); Likely pathogenic (1). Last evaluated 2026-01-24.

Conditions:
LZTR1-related schwannomatosis. Also called: Schwannomatosis 2; Schwannomatosis-2, susceptibility to. Identifiers: Orphanet 93921, MedGen C3810283, MONDO:0014299, OMIM 615670.

Submissions (2):

Labcorp Genetics (formerly Invitae), Labcorp
Classification: Pathogenic. Last evaluated: 2026-01-24. Review status: criteria provided, single submitter. Criteria: Invitae Variant Classification Sherloc (09022015). Collection method: clinical testing. Allele origin: germline.
Comment: This sequence change creates a premature translational stop signal (p.Gly222Alafs*30) in the LZTR1 gene. It is expected to result in an absent or disrupted protein product. Loss-of-function variants in LZTR1 are known to be pathogenic (PMID: 24362817, 25335493, 25480913, 25795793, 29469822, 30368668, 30442762, 30442766, 30481304, 30859559). This variant is not present in population databases (gnomAD no frequency). This variant has not been reported in the literature in individuals affected with LZTR1-related conditions. ClinVar contains an entry for this variant (Variation ID: 2886252). For these reasons, this variant has been classified as Pathogenic.

Baylor Genetics
Classification: Likely pathogenic for LZTR1-related schwannomatosis. Last evaluated: 2023-11-21. Review status: criteria provided, single submitter. Criteria: ACMG Guidelines, 2015. Collection method: clinical testing. Allele origin: unknown.

Literature cited by the submitters: PubMed 24362817 (cited by Labcorp Genetics (formerly Invitae), Labcorp); PubMed 25335493 (cited by Labcorp Genetics (formerly Invitae), Labcorp); PubMed 25480913 (cited by Labcorp Genetics (formerly Invitae), Labcorp); PubMed 25795793 (cited by Labcorp Genetics (formerly Invitae), Labcorp); PubMed 29469822 (cited by Labcorp Genetics (formerly Invitae), Labcorp); PubMed 30368668 (cited by Labcorp Genetics (formerly Invitae), Labcorp); PubMed 30442762 (cited by Labcorp Genetics (formerly Invitae), Labcorp); PubMed 30442766 (cited by Labcorp Genetics (formerly Invitae), Labcorp); PubMed 30481304 (cited by Labcorp Genetics (formerly Invitae), Labcorp); PubMed 30859559 (cited by Labcorp Genetics (formerly Invitae), Labcorp).